The following is an entry in ClinVar:

ClinVar aggregate classification (germline): Benign. Review status: criteria provided, multiple submitters, no conflicts (2 of 4 stars). 13 submissions from 12 submitters: Benign (9). 4 of the submissions do not count toward it. Last evaluated 2026-02-04.

Conditions:
Autosomal dominant cerebellar ataxia, deafness and narcolepsy. Also called: Autosomal Dominant Cerebellar Ataxia, Deafness, and Narcolepsy (ADCA-DN). Identifiers: Orphanet 314404, MedGen C4302668, MONDO:0011397, OMIM 604121.
Hereditary sensory neuropathy-deafness-dementia syndrome. Also called: HSN IE; Hereditary sensory neuropathy type IE; NEUROPATHY, HEREDITARY SENSORY, WITH HEARING LOSS AND DEMENTIA; Hereditary Sensory and Autonomic Neuropathy Type 1E (HSAN1E). Identifiers: Orphanet 456318, MedGen C3279885, MONDO:0013584, OMIM 614116.

Allele frequency attached by ClinVar (database versions not stated): gnomAD exomes 0.98770 and 0.99078; ESP Exome Variant Server 0.98970; gnomAD 0.99062 and 0.99087; TOPMed 0.99093; 1000 Genomes Project 30x 0.99563; 1000 Genomes Project 0.99581.
gnomAD v4.1: 1,594,840 of 1,614,176 alleles (99%); highest among the groups gnomAD compares: East Asian, 100%; 787,892 homozygotes.

Submissions (13):

Labcorp Genetics (formerly Invitae), Labcorp
Classification: Benign for Hereditary sensory neuropathy-deafness-dementia syndrome. Last evaluated: 2026-02-04. Review status: criteria provided, single submitter. Criteria: Invitae Variant Classification Sherloc (09022015). Collection method: clinical testing. Allele origin: germline.

Blueprint Genetics
Classification: Benign. Last evaluated: 2024-11-28. Review status: criteria provided, single submitter. Criteria: ACMG Guidelines, 2015. Collection method: clinical testing. Allele origin: germline.

Mayo Clinic Laboratories, Mayo Clinic
Classification: Benign. Last evaluated: 2022-03-25. Review status: criteria provided, single submitter. Criteria: ACMG Guidelines, 2015. Collection method: clinical testing. Allele origin: germline. Observed: 2,230 variant alleles.

Genome-Nilou Lab
Classification: Benign for Autosomal dominant cerebellar ataxia, deafness and narcolepsy. Last evaluated: 2021-07-30. Review status: criteria provided, single submitter. Criteria: ACMG Guidelines, 2015. Collection method: clinical testing. Allele origin: germline. Affected: no.

Genome-Nilou Lab
Classification: Benign for Hereditary sensory neuropathy-deafness-dementia syndrome. Last evaluated: 2021-07-30. Review status: criteria provided, single submitter. Criteria: ACMG Guidelines, 2015. Collection method: clinical testing. Allele origin: germline. Affected: no.

Illumina Laboratory Services, Illumina
Classification: Benign for Hereditary sensory neuropathy-deafness-dementia syndrome. Last evaluated: 2018-01-13. Review status: criteria provided, single submitter. Criteria: ICSL Variant Classification Criteria 13 December 2019. Collection method: clinical testing. Allele origin: germline.
Comment: This variant was observed in the ICSL laboratory as part of a predisposition screen in an ostensibly healthy population. It had not been previously curated by ICSL or reported in the Human Gene Mutation Database (HGMD: prior to June 1st, 2018), and was therefore a candidate for classification through an automated scoring system. Utilizing variant allele frequency, disease prevalence and penetrance estimates, and inheritance mode, an automated score was calculated to assess if this variant is too frequent to cause the disease. Based on the score and internal cut-off values, a variant classified as benign is not then subjected to further curation. The score for this variant resulted in a classification of benign for this disease.

GeneDx
Classification: Benign. Last evaluated: 2015-03-03. Review status: criteria provided, single submitter. Criteria: GeneDx Variant Classification Process June 2021. Collection method: clinical testing. Allele origin: germline. Affected: yes.

Breakthrough Genomics
Classification: Benign. Review status: criteria provided, single submitter. Criteria: ACMG Guidelines, 2015. Collection method: not provided. Allele origin: germline. Inheritance: Autosomal dominant inheritance. Affected: yes.

PreventionGenetics, part of Exact Sciences
Classification: Benign. Review status: criteria provided, single submitter. Criteria: ACMG Guidelines, 2015. Collection method: clinical testing. Allele origin: germline.

Clinical Genetics DNA and cytogenetics Diagnostics Lab, Erasmus MC, Erasmus Medical Center
Classification: Benign. Review status: no assertion criteria provided. Collection method: clinical testing. Allele origin: germline. Affected: yes. Study: VKGL Data-share Consensus. Not counted in ClinVar's aggregate classification.

Clinical Genetics, Academic Medical Center
Classification: Benign. Review status: no assertion criteria provided. Collection method: clinical testing. Allele origin: germline. Affected: yes. Study: VKGL Data-share Consensus. Not counted in ClinVar's aggregate classification.

Diagnostic Laboratory, Department of Genetics, University Medical Center Groningen
Classification: Benign. Review status: no assertion criteria provided. Collection method: clinical testing. Allele origin: germline. Affected: yes. Study: VKGL Data-share Consensus. Not counted in ClinVar's aggregate classification.

Joint Genome Diagnostic Labs from Nijmegen and Maastricht, Radboudumc and MUMC+
Classification: Benign. Review status: no assertion criteria provided. Collection method: clinical testing. Allele origin: germline. Affected: yes. Study: VKGL Data-share Consensus. Not counted in ClinVar's aggregate classification.

NM_001130823.3(DNMT1):c.1782A>G (p.Thr594=)

Gene: DNMT1 (DNA methyltransferase 1; minus strand). Cytogenetic location: 19p13.2.
Variant type: single nucleotide variant.
Coding change: c.1782A>G on transcript NM_001130823.3 (MANE Select); coding-DNA position 1782, A replaced by G.
Protein change: p.Thr594=; no amino-acid change (threonine 594 retained).
Molecular consequence: synonymous variant.
Genome position (GRCh38, 1-based): chr19:10,154,636, T>C on the plus strand (A>G on the coding strand, the complement: DNMT1 is on the minus strand). VCF-style: chr19-10154636-T-C. GRCh37 (hg19) VCF-style: chr19-10265312-T-C.
Other names: p.Thr594=; c.1734A>G, p.Thr578= (NM_001318730.2, NM_001379.4); c.1419A>G, p.Thr473= (NM_001318731.2); c.1782A>G (LRG_362t1).
Identifiers: ClinVar variation 257537 (VCV000257537.29), dbSNP rs721186, ClinGen allele CA9188220.
Genomic context (GRCh38, chr19:10,154,636, plus strand): 5'-GCATCCTTACCTCTGTCCCAGCGTGACCCCAGCCAGCTTGATCAGGTCCCGCATGCAGGG[T>C]GTCAGGAAGATGGGCTGCTCATCACTGTCCCCGGCCTCGTCATAACTCTCCACCTGCTCC-3'
Protein context (NP_001124295.1, residues 584-604): GDSDEQPIFL[Thr594=]PCMRDLIKLA